The following is an entry in ClinVar:

NM_182961.4(SYNE1):c.12168G>A (p.Gln4056=)

Gene: SYNE1 (spectrin repeat containing nuclear envelope protein 1; minus strand). Cytogenetic location: 6q25.2.
Variant type: single nucleotide variant.
Coding change: c.12168G>A on transcript NM_182961.4 (MANE Select); coding-DNA position 12168, G replaced by A.
Protein change: p.Gln4056=; no amino-acid change (glutamine 4056 retained).
Molecular consequence: synonymous variant.
Genome position (GRCh38, 1-based): chr6:152,344,138, C>T on the plus strand (G>A on the coding strand, the complement: SYNE1 is on the minus strand). VCF-style: chr6-152344138-C-T. GRCh37 (hg19) VCF-style: chr6-152665273-C-T.
Other names: c.11955G>A, p.Gln3985= (NM_033071.5).
Identifiers: ClinVar variation 2046898 (VCV002046898.8), dbSNP rs201095798, ClinGen allele CA4056490.

ClinVar aggregate classification (germline): Likely benign. Review status: criteria provided, multiple submitters, no conflicts (2 of 4 stars). 2 submissions from 2 submitters: Likely benign (2). Last evaluated 2026-03-01.

Conditions:
Emery-Dreifuss muscular dystrophy 4, autosomal dominant (EDMD4). Also called: EMERY-DREIFUSS MUSCULAR DYSTROPHY 4 WITH VARIABLE FEATURES. Identifiers: Orphanet 261, MedGen C2751807, MONDO:0013071, OMIM 612998.
Autosomal recessive ataxia, Beauce type. Also called: SYNE1 Deficiency; Spinocerebellar ataxia, autosomal recessive 8; ATAXIA, RECESSIVE, OF BEAUCE; SYNE1-Related Autosomal Recessive Cerebellar Ataxia. Identifiers: Orphanet 88644, MedGen C1853116, MONDO:0012549, OMIM 610743.

Allele frequency attached by ClinVar (database versions not stated): ExAC 0.00001; gnomAD 0.00001; TOPMed 0.00002; gnomAD exomes 0.00005.
gnomAD v4.1: 73 of 1,614,078 alleles (0.0045%); highest among the groups gnomAD compares: Non-Finnish European, 0.0059%; no homozygotes.

Submissions (2):

CeGaT Center for Human Genetics Tuebingen
Classification: Likely benign. Last evaluated: 2026-03-01. Review status: criteria provided, single submitter. Criteria: CeGaT Center For Human Genetics Tuebingen Variant Classification Criteria Version 2. Collection method: clinical testing. Allele origin: germline. Affected: yes. Observed: 1 variant allele.
Comment: SYNE1: BP4, BP7

Labcorp Genetics (formerly Invitae), Labcorp
Classification: Likely benign for Emery-Dreifuss muscular dystrophy 4, autosomal dominant; Autosomal recessive ataxia, Beauce type. Last evaluated: 2025-02-20. Review status: criteria provided, single submitter. Criteria: Invitae Variant Classification Sherloc (09022015). Collection method: clinical testing. Allele origin: germline.